The following is an entry in ClinVar:

ClinVar aggregate classification (germline): Uncertain significance (1 of 4 stars; one submission).

Submission:

GeneDx
Classification: Uncertain significance. Last evaluated: 2022-08-15. Review status: criteria provided, single submitter. Criteria: GeneDx Variant Classification Process June 2021. Collection method: clinical testing. Allele origin: germline. Affected: yes.
Comment: Not observed at significant frequency in large population cohorts (gnomAD); Nonsense variant predicted to result in protein truncation or nonsense mediated decay in a gene or region of a gene for which loss of function is not a well-established mechanism of disease; Has not been previously published as pathogenic or benign to our knowledge.

NM_001693.4(ATP6V1B2):c.811C>T (p.Arg271Ter)

Gene: ATP6V1B2 (ATPase H+ transporting V1 subunit B2; plus strand). Cytogenetic location: 8p21.3.
Variant type: single nucleotide variant.
Coding change: c.811C>T on transcript NM_001693.4 (MANE Select); coding-DNA position 811, C replaced by T.
Protein change: p.Arg271Ter; replaces arginine 271 with a stop codon.
Molecular consequence: nonsense.
Genome position (GRCh38, 1-based): chr8:20,212,789, C>T. VCF-style: chr8-20212789-C-T. GRCh37 (hg19) VCF-style: chr8-20070300-C-T.
Other names: short protein forms R271*.
Identifiers: ClinVar variation 2430816 (VCV002430816.1), dbSNP rs2072808852, ClinGen allele CA370472448.